The following is an entry in ClinVar:

ClinVar aggregate classification (germline): Benign. Review status: criteria provided, multiple submitters, no conflicts (2 of 4 stars). 2 submissions from 2 submitters: Benign (2). Last evaluated 2018-06-16.

Allele frequency attached by ClinVar (database versions not stated): gnomAD exomes 0.01399; 1000 Genomes Project 0.03694; gnomAD 0.03812 and 0.03976; 1000 Genomes Project 30x 0.03904; TOPMed 0.04081.
gnomAD v4.1: 23,355 of 1,395,360 alleles (1.7%); highest among the groups gnomAD compares: African/African-American, 11%; 528 homozygotes.

Submissions (2):

GeneDx
Classification: Benign. Last evaluated: 2018-06-16. Review status: criteria provided, single submitter. Criteria: GeneDx Variant Classification (06012015). Collection method: clinical testing. Allele origin: germline. Affected: yes.
Comment: This variant is considered likely benign or benign based on one or more of the following criteria: it is a conservative change, it occurs at a poorly conserved position in the protein, it is predicted to be benign by multiple in silico algorithms, and/or has population frequency not consistent with disease.

Breakthrough Genomics
Classification: Benign. Review status: criteria provided, single submitter. Criteria: ACMG Guidelines, 2015. Collection method: not provided. Allele origin: germline. Inheritance: Unknown mechanism. Affected: yes.

NM_014476.6(PDLIM3):c.905+58T>C

Gene: PDLIM3 (PDZ and LIM domain 3; minus strand). Cytogenetic location: 4q35.1.
Variant type: single nucleotide variant.
Coding change: c.905+58T>C on transcript NM_014476.6 (MANE Select); 58 bases into the intron after coding-DNA position 905, T replaced by C.
Molecular consequence: intron variant.
Genome position (GRCh38, 1-based): chr4:185,504,417, A>G on the plus strand (T>C on the coding strand, the complement: PDLIM3 is on the minus strand). VCF-style: chr4-185504417-A-G. GRCh37 (hg19) VCF-style: chr4-186425571-A-G.
Other names: c.404+58T>C (NM_001257963.2); c.641+58T>C (NM_001257962.2); c.761+58T>C (NM_001114107.5).
Identifiers: ClinVar variation 671476 (VCV000671476.2), dbSNP rs56274515, ClinGen allele CA112042454.